The following is an entry in ClinVar:

NM_000065.5(C6):c.448C>T (p.Arg150Cys)

Gene: C6 (complement C6; minus strand). Cytogenetic location: 5p13.1.
Variant type: single nucleotide variant.
Coding change: c.448C>T on transcript NM_000065.5 (MANE Select); coding-DNA position 448, C replaced by T.
Protein change: p.Arg150Cys; replaces arginine 150 with cysteine.
Molecular consequence: missense variant.
Genome position (GRCh38, 1-based): chr5:41,195,931, G>A on the plus strand (C>T on the coding strand, the complement: C6 is on the minus strand). VCF-style: chr5-41195931-G-A. GRCh37 (hg19) VCF-style: chr5-41196033-G-A.
Other names: c.448C>T, p.Arg150Cys (NM_001115131.4); short protein forms R150C.
Identifiers: ClinVar variation 2420753 (VCV002420753.3), dbSNP rs751612775, ClinGen allele CA3252777.

ClinVar aggregate classification (germline): Uncertain significance (1 of 4 stars; one submission).

Allele frequency attached by ClinVar (database versions not stated): gnomAD 0.00002; TOPMed 0.00003.

Submission:

Labcorp Genetics (formerly Invitae), Labcorp
Classification: Uncertain significance. Last evaluated: 2022-01-17. Review status: criteria provided, single submitter. Criteria: Invitae Variant Classification Sherloc (09022015). Collection method: clinical testing. Allele origin: germline.
Comment: In summary, the available evidence is currently insufficient to determine the role of this variant in disease. Therefore, it has been classified as a Variant of Uncertain Significance. Algorithms developed to predict the effect of missense changes on protein structure and function are either unavailable or do not agree on the potential impact of this missense change (SIFT: "Deleterious"; PolyPhen-2: "Probably Damaging"; Align-GVGD: "Class C0"). This variant has not been reported in the literature in individuals affected with C6-related conditions. This variant is present in population databases (rs751612775, gnomAD 0.003%). This sequence change replaces arginine, which is basic and polar, with cysteine, which is neutral and slightly polar, at codon 150 of the C6 protein (p.Arg150Cys).